The following is an entry in ClinVar:

ClinVar aggregate classification (germline): Conflicting classifications of pathogenicity. Review status: criteria provided, conflicting classifications (1 of 4 stars). 2 submissions from 2 submitters: Uncertain significance (1); Likely benign (1). Last evaluated 2024-12-09.

Submissions (2):

Labcorp Genetics (formerly Invitae), Labcorp
Classification: Uncertain significance. Last evaluated: 2024-12-09. Review status: criteria provided, single submitter. Criteria: Invitae Variant Classification Sherloc (09022015). Collection method: clinical testing. Allele origin: germline.
Comment: This variant, c.41_43dup, results in the insertion of 1 amino acid(s) of the P3H2 protein (p.Leu14dup), but otherwise preserves the integrity of the reading frame. This variant is present in population databases (rs748164416, gnomAD 0.1%). This variant has not been reported in the literature in individuals affected with P3H2-related conditions. ClinVar contains an entry for this variant (Variation ID: 954439). Experimental studies and prediction algorithms are not available or were not evaluated, and the functional significance of this variant is currently unknown. In summary, the available evidence is currently insufficient to determine the role of this variant in disease. Therefore, it has been classified as a Variant of Uncertain Significance.

Blueprint Genetics
Classification: Likely benign. Last evaluated: 2024-10-15. Review status: criteria provided, single submitter. Criteria: ACMG Guidelines, 2015. Collection method: clinical testing. Allele origin: germline.

NM_018192.4(P3H2):c.29TGC[6] (p.Leu14dup)

Genes: P3H2 (prolyl 3-hydroxylase 2; minus strand), LOC123464484 (Sharpr-MPRA regulatory region 10063; plus strand). Cytogenetic location: 3q28.
Variant type: Microsatellite.
Coding change: c.29TGC[6] on transcript NM_018192.4 (MANE Select); six copies in a row of the 3-base unit TGC starting at c.29; the reference has five copies in a row; one copy, 3 bases duplicated.
Protein change: p.Leu14dup; duplicates leucine 14.
Molecular consequence: inframe insertion. On other transcripts: intron variant (1).
Genome position (GRCh38, 1-based): chr3:190,120,689-190,120,691, GCA duplicated on the plus strand (TGC on the coding strand, the reverse complement: P3H2 is on the minus strand); duplicating any 3 consecutive bases within chr3:190,120,689-190,120,705 gives the same sequence; the position shown is the placement nearest the transcript's 3' end. VCF-style (leftmost placement, unchanged base first): chr3-190120688-G-GGCA. GRCh37 (hg19) VCF-style: chr3-189838477-G-GGCA.
Other names: c.-64+1500TGC[6] (NM_001134418.2).
Identifiers: ClinVar variation 954439 (VCV000954439.6), dbSNP rs748164416, ClinGen allele CA2753451.
Genomic context (GRCh38, chr3:190,120,688, plus strand): 5'-TCCAGCTCCCGGCGTGGGCTGTCCGGGGGGCCGCCCCACAGTGGCGGCGGCAGTAGCAGC[G>GGCA]GCAGCAGCAGCAGCAGCGGCGGCGCCCAGATGCGCTCCCGCATCCTCCGCCTCAGAGAGG-3'